The following is an entry in ClinVar:

NM_198576.4(AGRN):c.2002G>T (p.Glu668Ter)

Gene: AGRN (agrin; plus strand). Cytogenetic location: 1p36.33.
Variant type: single nucleotide variant.
Coding change: c.2002G>T on transcript NM_198576.4 (MANE Select); coding-DNA position 2002, G replaced by T.
Protein change: p.Glu668Ter; replaces glutamic acid 668 with a stop codon.
Molecular consequence: nonsense.
Genome position (GRCh38, 1-based): chr1:1,044,111, G>T. VCF-style: chr1-1044111-G-T. GRCh37 (hg19) VCF-style: chr1-979491-G-T.
Other names: c.2002G>T, p.Glu668Ter (NM_001305275.2); c.1687G>T, p.Glu563Ter (NM_001364727.2); short protein forms E563*, E668*.
Identifiers: ClinVar variation 1076092 (VCV001076092.7), dbSNP rs199801106, ClinGen allele CA337835804.

ClinVar aggregate classification (germline): Pathogenic (1 of 4 stars; one submission).

Conditions:
Congenital myasthenic syndrome 8. Also called: Myasthenic syndrome, congenital, 8, with pre- and postsynaptic defects; MYASTHENIC SYNDROME, CONGENITAL, DUE TO AGRIN DEFICIENCY. Identifiers: Orphanet 590, MedGen C3808739, MONDO:0014052, OMIM 615120.

Submission:

Labcorp Genetics (formerly Invitae), Labcorp
Classification: Pathogenic for Congenital myasthenic syndrome 8. Last evaluated: 2020-05-22. Review status: criteria provided, single submitter. Criteria: Invitae Variant Classification Sherloc (09022015). Collection method: clinical testing. Allele origin: germline.
Comment: For these reasons, this variant has been classified as Pathogenic. Loss-of-function variants in AGRN are known to be pathogenic (PMID: 24951643). This variant has not been reported in the literature in individuals with AGRN-related conditions. This variant is not present in population databases (ExAC no frequency). This sequence change creates a premature translational stop signal (p.Glu668*) in the AGRN gene. It is expected to result in an absent or disrupted protein product.

Literature cited by the submitters: PubMed 24951643.